The following is an entry in ClinVar:

ClinVar aggregate classification (germline): Pathogenic (1 of 4 stars; one submission).

Submission:

Labcorp Genetics (formerly Invitae), Labcorp
Classification: Pathogenic. Last evaluated: 2025-07-10. Review status: criteria provided, single submitter. Criteria: Invitae Variant Classification Sherloc (09022015). Collection method: clinical testing. Allele origin: germline.
Comment: This sequence change creates a premature translational stop signal (p.Asn281Lysfs*9) in the LRP6 gene. It is expected to result in an absent or disrupted protein product. Loss-of-function variants in LRP6 are known to be pathogenic (PMID: 26387593). This variant is not present in population databases (gnomAD no frequency). This variant has not been reported in the literature in individuals affected with LRP6-related conditions. ClinVar contains an entry for this variant (Variation ID: 2765523). For these reasons, this variant has been classified as Pathogenic.

Literature cited by the submitters: PubMed 26387593.

NM_002336.3(LRP6):c.842dup (p.Asn281fs)

Gene: LRP6 (LDL receptor related protein 6; minus strand). Cytogenetic location: 12p13.2.
Variant type: Duplication.
Coding change: c.842dup on transcript NM_002336.3 (MANE Select); coding-DNA position 842, one base duplicated (A; older notation c.842dupA).
Protein change: p.Asn281fs; shifts the reading frame from asparagine 281.
Molecular consequence: frameshift variant. On other transcripts: non-coding transcript variant (1).
Genome position (GRCh38, 1-based): chr12:12,186,925, T duplicated on the plus strand (A on the coding strand, the reverse complement: LRP6 is on the minus strand); the first of 3 consecutive T bases (chr12:12,186,925-12,186,927); duplicating any one gives the same sequence. VCF-style (leftmost placement, unchanged base first): chr12-12186924-A-AT. GRCh37 (hg19) VCF-style: chr12-12339858-A-AT.
Other names: c.842dup, p.Asn281fs (NM_001414251.1, NM_001414255.1, NM_001414244.1 and 5 more transcripts); c.389dup, p.Asn130fs (NM_001414252.1, NM_001414253.1, NM_001414254.1); c.644dup, p.Asn215fs (NM_001414247.1); short protein forms N281fs, N130fs, N215fs.
Identifiers: ClinVar variation 2765523 (VCV002765523.3), dbSNP rs2498979360, ClinGen allele CA2617690772.
Genomic context (GRCh38, chr12:12,186,924, plus strand): 5'-GACATTAGAGTGCTACAAAGCTGTTCCAACTTGCAATTTAAAAATCAAGGATCACTTACC[A>AT]TTTGGCTGCCTCTGTTGGCTGAAGGCATGTATATCCATGGGAGAGAAGATGTCAGAATGG-3'